The following is an entry in ClinVar:

ClinVar aggregate classification (germline): Conflicting classifications of pathogenicity. Review status: criteria provided, conflicting classifications (1 of 4 stars). 3 submissions from 3 submitters: Uncertain significance (1); Likely benign (2). Last evaluated 2025-07-07.

Conditions:
Mitochondrial DNA depletion syndrome 13. Also called: FBXL4-Related Encephalomyopathic Mitochondrial DNA Depletion Syndrome; Mitochondrial DNA depletion syndrome 13 (encephalomyopathic type). Identifiers: Orphanet 369897, MedGen C3809592, MONDO:0014198, OMIM 615471.

Allele frequency attached by ClinVar (database versions not stated): gnomAD exomes below 0.00001 and 0.00001; ExAC 0.00001; gnomAD 0.00001; TOPMed 0.00001.
gnomAD v4.1: 14 of 1,614,112 alleles (0.00087%); highest among the groups gnomAD compares: Middle Eastern, 0.016%; no homozygotes.

Submissions (3):

Labcorp Genetics (formerly Invitae), Labcorp
Classification: Likely benign. Last evaluated: 2025-07-07. Review status: criteria provided, single submitter. Criteria: Invitae Variant Classification Sherloc (09022015). Collection method: clinical testing. Allele origin: germline.

CeGaT Center for Human Genetics Tuebingen
Classification: Likely benign. Last evaluated: 2022-01-01. Review status: criteria provided, single submitter. Criteria: CeGaT Center For Human Genetics Tuebingen Variant Classification Criteria Version 2. Collection method: clinical testing. Allele origin: germline. Affected: yes. Observed: 1 variant allele.

Wong Mito Lab, Molecular and Human Genetics, Baylor College of Medicine
Classification: Uncertain significance for Mitochondrial DNA depletion syndrome 13. Last evaluated: 2017-08-10. Review status: criteria provided, single submitter. Criteria: ACMG Guidelines, 2015. Collection method: reference population. Allele origin: germline.
Comment: The NM_012160.4:c.1656T>C (NP_036292.2:p.Asp552=) [GRCH38: NC_000006.12:g.98875461A>G] variant in FBXL4 gene is interpretated to be a Uncertain Significance - Conflicting Evidence based on ACMG guidelines (PMID: 25741868). This variant meets one or more of the following evidence codes reported in the ACMG-guideline. PM2:This variant is absent in key population databases. BP4:Computational evidence/predictors indicate no impact on the FBXL4 structure, function, or protein-protein interaction. BP7:The variant is silent with non predicted splice impact. Based on this evidence code ClinGen Pathogenicity Calculator (PMID:28081714) suggested that the variant is Uncertain Significance - Conflicting Evidence.

NM_001278716.2(FBXL4):c.1656T>C (p.Asp552=)

Gene: FBXL4 (F-box and leucine rich repeat protein 4; minus strand). Cytogenetic location: 6q16.1.
Variant type: single nucleotide variant.
Coding change: c.1656T>C on transcript NM_001278716.2 (MANE Select); coding-DNA position 1656, T replaced by C.
Protein change: p.Asp552=; no amino-acid change (aspartic acid 552 retained).
Molecular consequence: synonymous variant. On other transcripts: non-coding transcript variant (1).
Genome position (GRCh38, 1-based): chr6:98,875,461, A>G on the plus strand (T>C on the coding strand, the complement: FBXL4 is on the minus strand). VCF-style: chr6-98875461-A-G. GRCh37 (hg19) VCF-style: chr6-99323337-A-G.
Other names: c.1656T>C, p.Asp552= (NM_012160.5).
Identifiers: ClinVar variation 437782 (VCV000437782.35), dbSNP rs779344587, ClinGen allele CA3933410.